The following is an entry in ClinVar:

ClinVar aggregate classification (germline): Conflicting classifications of pathogenicity. Review status: criteria provided, conflicting classifications (1 of 4 stars). 4 submissions from 4 submitters: Uncertain significance (1); Likely benign (2). 1 of the submissions does not count toward it. Last evaluated 2026-06-01.

Conditions:
MAGEL2-related disorder. Also called: MAGEL2-related condition.

gnomAD v4.1: 31 of 1,587,792 alleles (0.002%); highest among the groups gnomAD compares: African/African-American, 0.011%; no homozygotes.

Submissions (4):

CeGaT Center for Human Genetics Tuebingen
Classification: Likely benign. Last evaluated: 2026-06-01. Review status: criteria provided, single submitter. Criteria: CeGaT Center For Human Genetics Tuebingen Variant Classification Criteria Version 2. Collection method: clinical testing. Allele origin: germline. Affected: yes. Observed: 1 variant allele.
Comment: MAGEL2: BP4

Labcorp Genetics (formerly Invitae), Labcorp
Classification: Uncertain significance. Last evaluated: 2023-11-06. Review status: criteria provided, single submitter. Criteria: Invitae Variant Classification Sherloc (09022015). Collection method: clinical testing. Allele origin: germline.
Comment: This sequence change replaces proline, which is neutral and non-polar, with histidine, which is basic and polar, at codon 641 of the MAGEL2 protein (p.Pro641His). This variant is present in population databases (rs556296973, gnomAD 0.02%). This variant has not been reported in the literature in individuals affected with MAGEL2-related conditions. Advanced modeling of protein sequence and biophysical properties (such as structural, functional, and spatial information, amino acid conservation, physicochemical variation, residue mobility, and thermodynamic stability) performed at Invitae indicates that this missense variant is not expected to disrupt MAGEL2 protein function with a negative predictive value of 80%. In summary, the available evidence is currently insufficient to determine the role of this variant in disease. Therefore, it has been classified as a Variant of Uncertain Significance.

Blueprint Genetics
Classification: Likely benign. Last evaluated: 2021-07-20. Review status: criteria provided, single submitter. Criteria: ACMG Guidelines, 2015. Collection method: clinical testing. Allele origin: germline.

PreventionGenetics, part of Exact Sciences
Classification: Uncertain significance for MAGEL2-related condition. Last evaluated: 2024-09-23. Review status: no assertion criteria provided. Collection method: clinical testing. Allele origin: germline. Not counted in ClinVar's aggregate classification.
Comment: The MAGEL2 c.1922C>A variant is predicted to result in the amino acid substitution p.Pro641His. To our knowledge, this variant has not been reported in the literature. This variant is reported in 0.016% of alleles in individuals of African descent in gnomAD. Although we suspect that this variant may be benign, at this time, the clinical significance of this variant is uncertain due to the absence of conclusive functional and genetic evidence.

NM_019066.5(MAGEL2):c.1922C>A (p.Pro641His)

Gene: MAGEL2 (MAGE family member L2; minus strand). Cytogenetic location: 15q11.2.
Variant type: single nucleotide variant.
Coding change: c.1922C>A on transcript NM_019066.5 (MANE Select); coding-DNA position 1922, C replaced by A.
Protein change: p.Pro641His; replaces proline 641 with histidine.
Molecular consequence: missense variant.
Genome position (GRCh38, 1-based): chr15:23,645,821, G>T on the plus strand (C>A on the coding strand, the complement: MAGEL2 is on the minus strand). VCF-style: chr15-23645821-G-T. GRCh37 (hg19) VCF-style: chr15-23890968-G-T.
Other names: c.1922C>A (NM_019066.4); short protein forms P641H.
Identifiers: ClinVar variation 2975125 (VCV002975125.7), dbSNP rs556296973, ClinGen allele CA7429999.